The following is an entry in ClinVar:

NM_005060.4(RORC):c.485C>T (p.Ser162Phe)

Gene: RORC (RAR related orphan receptor C; minus strand). Cytogenetic location: 1q21.3.
Variant type: single nucleotide variant.
Coding change: c.485C>T on transcript NM_005060.4 (MANE Select); coding-DNA position 485, C replaced by T.
Protein change: p.Ser162Phe; replaces serine 162 with phenylalanine.
Molecular consequence: missense variant.
Genome position (GRCh38, 1-based): chr1:151,815,239, G>A on the plus strand (C>T on the coding strand, the complement: RORC is on the minus strand). VCF-style: chr1-151815239-G-A. GRCh37 (hg19) VCF-style: chr1-151787715-G-A.
Other names: c.422C>T, p.Ser141Phe (NM_001001523.2); short protein forms S141F, S162F.
Identifiers: ClinVar variation 2124455 (VCV002124455.4), dbSNP rs2525624256, ClinGen allele CA342016948.
Genomic context (GRCh38, chr1:151,815,239, plus strand): 5'-GAGCCTGAGGCTTTCAGGAGGCCAGGGGGACAGGCAGAAGCCTCAGGCAGGTCAGGCGAG[G>A]AGCCCAGGGGCAGCTGCCCGTCTGGGAGCCCCAAGGTGTAGGTGAGGGTATCTGCTCCTT-3'
Protein context (NP_005051.2, residues 152-172): GLPDGQLPLG[Ser162Phe]SPDLPEASAC

ClinVar aggregate classification (germline): Uncertain significance (1 of 4 stars; one submission).

Conditions:
Autosomal recessive mendelian susceptibility to mycobacterial diseases due to complete RORgamma receptor deficiency. Also called: Immunodeficiency 42. Identifiers: Orphanet 477857, MedGen C5567647, MONDO:0014710, OMIM 616622.

Submission:

Labcorp Genetics (formerly Invitae), Labcorp
Classification: Uncertain significance for Autosomal recessive mendelian susceptibility to mycobacterial diseases due to complete RORgamma receptor deficiency. Last evaluated: 2024-10-14. Review status: criteria provided, single submitter. Criteria: Invitae Variant Classification Sherloc (09022015). Collection method: clinical testing. Allele origin: germline.
Comment: This sequence change replaces serine, which is neutral and polar, with phenylalanine, which is neutral and non-polar, at codon 162 of the RORC protein (p.Ser162Phe). This variant is not present in population databases (gnomAD no frequency). This variant has not been reported in the literature in individuals affected with RORC-related conditions. ClinVar contains an entry for this variant (Variation ID: 2124455). An algorithm developed to predict the effect of missense changes on protein structure and function (PolyPhen-2) suggests that this variant is likely to be tolerated. In summary, the available evidence is currently insufficient to determine the role of this variant in disease. Therefore, it has been classified as a Variant of Uncertain Significance.